The following is an entry in ClinVar:

ClinVar aggregate classification (germline): Pathogenic/Likely pathogenic. Review status: criteria provided, multiple submitters, no conflicts (2 of 4 stars). 2 submissions from 2 submitters: Pathogenic (1); Likely pathogenic (1). Last evaluated 2023-11-20.

Conditions:
Bloom syndrome (BLM). Also called: Bloom-Torre-Machacek syndrome. Identifiers: Orphanet 125, MedGen C0005859, MONDO:0008876, OMIM 210900.

Submissions (2):

Baylor Genetics
Classification: Likely pathogenic for Bloom syndrome. Last evaluated: 2023-11-20. Review status: criteria provided, single submitter. Criteria: ACMG Guidelines, 2015. Collection method: clinical testing. Allele origin: unknown.

Labcorp Genetics (formerly Invitae), Labcorp
Classification: Pathogenic for Bloom syndrome. Last evaluated: 2020-11-17. Review status: criteria provided, single submitter. Criteria: Invitae Variant Classification Sherloc (09022015). Collection method: clinical testing. Allele origin: germline.
Comment: This sequence change creates a premature translational stop signal (p.Glu413*) in the BLM gene. It is expected to result in an absent or disrupted protein product. Loss-of-function variants in BLM are known to be pathogenic (PMID: 17407155). This variant is not present in population databases (ExAC no frequency). This variant has not been reported in the literature in individuals with BLM-related conditions. Algorithms developed to predict the effect of sequence changes on RNA splicing suggest that this variant may create or strengthen a splice site, but this prediction has not been confirmed by published transcriptional studies. For these reasons, this variant has been classified as Pathogenic.

Literature cited by the submitters: PubMed 17407155 (cited by Labcorp Genetics (formerly Invitae), Labcorp).

NM_000057.4(BLM):c.1237G>T (p.Glu413Ter)

Gene: BLM (BLM RecQ like helicase; plus strand). Cytogenetic location: 15q26.1.
Variant type: single nucleotide variant.
Coding change: c.1237G>T on transcript NM_000057.4 (MANE Select); coding-DNA position 1237, G replaced by T.
Protein change: p.Glu413Ter; replaces glutamic acid 413 with a stop codon.
Molecular consequence: nonsense.
Genome position (GRCh38, 1-based): chr15:90,760,610, G>T. VCF-style: chr15-90760610-G-T. GRCh37 (hg19) VCF-style: chr15-91303840-G-T.
Other names: c.1237G>T, p.Glu413Ter (NM_001287246.2, NM_001287247.2); c.112G>T, p.Glu38Ter (NM_001287248.2); short protein forms E38*, E413*.
Identifiers: ClinVar variation 1432994 (VCV001432994.7), dbSNP rs887921909, ClinGen allele CA393842620.